The following is an entry in ClinVar:

ClinVar aggregate classification (germline): Uncertain significance. Review status: criteria provided, multiple submitters, no conflicts (2 of 4 stars). 2 submissions from 2 submitters: Uncertain significance (2). Last evaluated 2025-05-20.

Conditions:
Treacher Collins syndrome 1 (TCS1). Also called: TCOF1-Related Treacher Collins Syndrome. Identifiers: Orphanet 861, MedGen CN315775, MONDO:0007944, OMIM 154500.

Allele frequency attached by ClinVar (database versions not stated): gnomAD 0.00001; gnomAD exomes 0.00001 and 0.00002; ExAC 0.00002.
gnomAD v4.1: 6 of 1,613,842 alleles (0.00037%); highest among the groups gnomAD compares: Admixed American, 0.0083%; no homozygotes.

Submissions (2):

GeneDx
Classification: Uncertain significance. Last evaluated: 2025-05-20. Review status: criteria provided, single submitter. Criteria: GeneDx Variant Classification Process June 2021. Collection method: clinical testing. Allele origin: germline. Affected: yes.
Comment: In silico analysis suggests that this missense variant does not alter protein structure/function; Has not been previously published as pathogenic or benign to our knowledge

Labcorp Genetics (formerly Invitae), Labcorp
Classification: Uncertain significance for Treacher Collins syndrome 1. Last evaluated: 2025-04-08. Review status: criteria provided, single submitter. Criteria: Invitae Variant Classification Sherloc (09022015). Collection method: clinical testing. Allele origin: germline.
Comment: This sequence change replaces glutamine, which is neutral and polar, with arginine, which is basic and polar, at codon 1285 of the TCOF1 protein (p.Gln1285Arg). This variant is present in population databases (rs762322529, gnomAD 0.01%). This variant has not been reported in the literature in individuals affected with TCOF1-related conditions. ClinVar contains an entry for this variant (Variation ID: 1356930). An algorithm developed to predict the effect of missense changes on protein structure and function (PolyPhen-2) suggests that this variant is likely to be disruptive. In summary, the available evidence is currently insufficient to determine the role of this variant in disease. Therefore, it has been classified as a Variant of Uncertain Significance.

NM_001371623.1(TCOF1):c.3857A>G (p.Gln1286Arg)

Gene: TCOF1 (treacle ribosome biogenesis factor 1; plus strand). Cytogenetic location: 5q32.
Variant type: single nucleotide variant.
Coding change: c.3857A>G on transcript NM_001371623.1 (MANE Select); coding-DNA position 3857, A replaced by G.
Protein change: p.Gln1286Arg; replaces glutamine 1286 with arginine.
Molecular consequence: missense variant.
Genome position (GRCh38, 1-based): chr5:150,396,354, A>G. VCF-style: chr5-150396354-A-G. GRCh37 (hg19) VCF-style: chr5-149775917-A-G.
Other names: c.3623A>G, p.Gln1208Arg (NM_000356.4); c.3854A>G, p.Gln1285Arg (NM_001135243.2); c.3743A>G, p.Gln1248Arg (NM_001135244.2); c.3626A>G, p.Gln1209Arg (NM_001135245.2); c.3740A>G, p.Gln1247Arg (NM_001195141.2); c.3854A>G (NM_001135243.1); short protein forms Q1285R, Q1247R, Q1286R, Q1209R, Q1248R, Q1208R.
Identifiers: ClinVar variation 1356930 (VCV001356930.9), dbSNP rs762322529, ClinGen allele CA3511624.